The following is an entry in ClinVar:

NM_004369.4(COL6A3):c.4285+14G>A

Gene: COL6A3 (collagen type VI alpha 3 chain; minus strand). Cytogenetic location: 2q37.3.
Variant type: single nucleotide variant.
Coding change: c.4285+14G>A on transcript NM_004369.4 (MANE Select); 14 bases into the intron after coding-DNA position 4285, G replaced by A.
Molecular consequence: intron variant. On other transcripts: synonymous variant (2).
Genome position (GRCh38, 1-based): chr2:237,371,718, C>T on the plus strand (G>A on the coding strand, the complement: COL6A3 is on the minus strand). VCF-style: chr2-237371718-C-T. GRCh37 (hg19) VCF-style: chr2-238280361-C-T.
Other names: c.3078G>A, p.Ala1026= (NM_057164.5); c.3681G>A, p.Ala1227= (NM_057165.5); c.2464+14G>A (NM_057166.5); c.3667+14G>A (NM_057167.4); c.3681G>A (NM_057165.4).
Identifiers: ClinVar variation 899089 (VCV000899089.13), dbSNP rs373893821, ClinGen allele CA2188949.

ClinVar aggregate classification (germline): Conflicting classifications of pathogenicity. Review status: criteria provided, conflicting classifications (1 of 4 stars). 3 submissions from 3 submitters: Uncertain significance (1); Likely benign (1). 1 of the submissions does not count toward it. Last evaluated 2025-07-21.

Conditions:
COL6A3-related disorder. Also called: COL6A3-related disorders; COL6A3-related condition.
Collagen 6-related myopathy. Identifiers: MedGen CN117976, MONDO:0100225.
Bethlem myopathy 1A. Also called: MYOPATHY, BENIGN CONGENITAL, WITH CONTRACTURES; Bethlem myopathy 1; Bethlem Muscular Dystrophy. Identifiers: Orphanet 610, MedGen CN029274, MONDO:0024530, OMIM 158810.

Allele frequency attached by ClinVar (database versions not stated): gnomAD 0.00003 and 0.00004; TOPMed 0.00004; ESP Exome Variant Server 0.00008.
gnomAD v4.1: 58 of 1,575,226 alleles (0.0037%); highest among the groups gnomAD compares: South Asian, 0.027%; no homozygotes.

Submissions (3):

Labcorp Genetics (formerly Invitae), Labcorp
Classification: Likely benign for Bethlem myopathy 1A. Last evaluated: 2025-07-21. Review status: criteria provided, single submitter. Criteria: Invitae Variant Classification Sherloc (09022015). Collection method: clinical testing. Allele origin: germline.

Illumina Laboratory Services, Illumina
Classification: Uncertain significance for Collagen VI-related myopathy. Last evaluated: 2018-01-13. Review status: criteria provided, single submitter. Criteria: ICSL Variant Classification Criteria 13 December 2019. Collection method: clinical testing. Allele origin: germline.

PreventionGenetics, part of Exact Sciences
Classification: Likely benign for COL6A3-related condition. Last evaluated: 2019-09-17. Review status: no assertion criteria provided. Collection method: clinical testing. Allele origin: germline. Not counted in ClinVar's aggregate classification.
Comment: This variant is classified as likely benign based on ACMG/AMP sequence variant interpretation guidelines (Richards et al. 2015 PMID: 25741868, with internal and published modifications).